The following is an entry in ClinVar:

ClinVar aggregate classification (germline): Pathogenic (1 of 4 stars; one submission).

Conditions:
Multiple congenital exostosis (EXT). Also called: Multiple osteochondromas; MULTIPLE CARTILAGINOUS EXOSTOSES; Hereditary multiple exostoses; Hereditary multiple exostosis; Multiple exostoses; Hereditary multiple osteochondromas. Identifiers: Orphanet 321, MedGen C0015306, MONDO:0005508, HP:0002762.

Submission:

Labcorp Genetics (formerly Invitae), Labcorp
Classification: Pathogenic for Multiple congenital exostosis. Last evaluated: 2020-01-05. Review status: criteria provided, single submitter. Criteria: Invitae Variant Classification Sherloc (09022015). Collection method: clinical testing. Allele origin: germline.
Comment: This sequence change creates a premature translational stop signal (p.Ser238*) in the EXT1 gene. It is expected to result in an absent or disrupted protein product. This variant is not present in population databases (ExAC no frequency). This variant has not been reported in the literature in individuals with EXT1-related conditions. Loss-of-function variants in EXT1 are known to be pathogenic (PMID: 10679937, 11391482, 19810120). For these reasons, this variant has been classified as Pathogenic.

Literature cited by the submitters: PubMed 10679937; PubMed 11391482; PubMed 19810120.

NM_000127.3(EXT1):c.711_712del (p.Phe237_Ser238insTer)

Gene: EXT1 (exostosin glycosyltransferase 1; minus strand). Cytogenetic location: 8q24.11.
Variant type: Deletion.
Coding change: c.711_712del on transcript NM_000127.3 (MANE Select); coding-DNA positions 711 to 712, 2 bases deleted (TT; older notation c.711_712delTT).
Protein change: p.Phe237_Ser238insTer.
Molecular consequence: frameshift variant.
Genome position (GRCh38, 1-based): chr8:118,110,335-118,110,336, AA deleted on the plus strand (TT on the coding strand, the reverse complement: EXT1 is on the minus strand); deleting any 2 consecutive bases within chr8:118,110,335-118,110,338 gives the same sequence; the c. name uses the placement nearest the transcript's 3' end. VCF-style (leftmost placement, unchanged base first): chr8-118110334-GAA-G. GRCh37 (hg19) VCF-style: chr8-119122573-GAA-G.
Identifiers: ClinVar variation 1074978 (VCV001074978.7), dbSNP rs2130042109, ClinGen allele CA2499219107.